The following is an entry in ClinVar:

NM_001101426.4(CRPPA):c.283G>T (p.Val95Leu)

Gene: CRPPA (CDP-L-ribitol pyrophosphorylase A; minus strand). Cytogenetic location: 7p21.2.
Variant type: single nucleotide variant.
Coding change: c.283G>T on transcript NM_001101426.4 (MANE Select); coding-DNA position 283, G replaced by T.
Protein change: p.Val95Leu; replaces valine 95 with leucine.
Molecular consequence: missense variant. On other transcripts: non-coding transcript variant (1).
Genome position (GRCh38, 1-based): chr7:16,406,312, C>A on the plus strand (G>T on the coding strand, the complement: CRPPA is on the minus strand). VCF-style: chr7-16406312-C-A. GRCh37 (hg19) VCF-style: chr7-16445937-C-A.
Other names: c.283G>T, p.Val95Leu (NM_001101417.4, NM_001368197.1); short protein forms V95L.
Identifiers: ClinVar variation 1005068 (VCV001005068.9), dbSNP rs751704613, ClinGen allele CA4169639.

ClinVar aggregate classification (germline): Uncertain significance (1 of 4 stars; one submission).

Conditions:
Muscular dystrophy-dystroglycanopathy (congenital with brain and eye anomalies), type A, 7. Also called: WALKER-WARBURG SYNDROME OR MUSCLE-EYE-BRAIN DISEASE, ISPD-RELATED; Congenital muscular dystrophy-dystroglycanopathy with brain and eye anomalies, type A7. Identifiers: Orphanet 899, MedGen C3553330, MONDO:0013835, OMIM 614643.
Autosomal recessive limb-girdle muscular dystrophy type 2U. Also called: Muscular dystrophy-dystroglycanopathy (limb-girdle), type c, 7; MUSCULAR DYSTROPHY, LIMB-GIRDLE, TYPE 2U. Identifiers: Orphanet 352479, MedGen C5190987, MONDO:0014474, OMIM 616052.

Allele frequency attached by ClinVar (database versions not stated): gnomAD exomes below 0.00001 and 0.00001; ExAC 0.00001.
gnomAD v4.1: 2 of 1,613,710 alleles (0.00012%); highest among the groups gnomAD compares: South Asian, 0.0022%; no homozygotes.

Submission:

Labcorp Genetics (formerly Invitae), Labcorp
Classification: Uncertain significance for Muscular dystrophy-dystroglycanopathy (congenital with brain and eye anomalies), type A, 7; Autosomal recessive limb-girdle muscular dystrophy type 2U. Last evaluated: 2022-08-23. Review status: criteria provided, single submitter. Criteria: Invitae Variant Classification Sherloc (09022015). Collection method: clinical testing. Allele origin: germline.
Comment: This variant is present in population databases (rs751704613, gnomAD 0.006%). In summary, the available evidence is currently insufficient to determine the role of this variant in disease. Therefore, it has been classified as a Variant of Uncertain Significance. Algorithms developed to predict the effect of missense changes on protein structure and function (SIFT, PolyPhen-2, Align-GVGD) all suggest that this variant is likely to be disruptive. ClinVar contains an entry for this variant (Variation ID: 1005068). This variant has not been reported in the literature in individuals affected with ISPD-related conditions. This sequence change replaces valine, which is neutral and non-polar, with leucine, which is neutral and non-polar, at codon 95 of the ISPD protein (p.Val95Leu).